The following is an entry in ClinVar:

ClinVar aggregate classification (germline): Benign/Likely benign. Review status: criteria provided, multiple submitters, no conflicts (2 of 4 stars). 4 submissions from 4 submitters: Benign (1); Likely benign (2). 1 of the submissions does not count toward it. Last evaluated 2026-01-10.

Conditions:
CPA1-related disorder. Also called: CPA1-related condition.
Hereditary pancreatitis (PCTT). Also called: PRSS1-Related Hereditary Pancreatitis; Hereditary chronic pancreatitis. Identifiers: Orphanet 676, MedGen C0238339, MONDO:0008185, OMIM 167800.

Allele frequency attached by ClinVar (database versions not stated): gnomAD exomes 0.00020 and 0.00052; ExAC 0.00071; gnomAD 0.00197 and 0.00205; 1000 Genomes Project 0.00200; 1000 Genomes Project 30x 0.00203; ESP Exome Variant Server 0.00208; TOPMed 0.00220.
gnomAD v4.1: 608 of 1,614,142 alleles (0.038%); highest among the groups gnomAD compares: African/African-American, 0.73%; 3 homozygotes.

Submissions (4):

Labcorp Genetics (formerly Invitae), Labcorp
Classification: Benign. Last evaluated: 2026-01-10. Review status: criteria provided, single submitter. Criteria: Invitae Variant Classification Sherloc (09022015). Collection method: clinical testing. Allele origin: germline.

Sema4
Classification: Likely benign for Hereditary pancreatitis. Last evaluated: 2021-01-26. Review status: criteria provided, single submitter. Criteria: Sema4 Curation Guidelines. Collection method: curation. Allele origin: germline.

Ambry Genetics
Classification: Likely benign for Hereditary pancreatitis. Last evaluated: 2018-11-02. Review status: criteria provided, single submitter. Criteria: Ambry Variant Classification Scheme 2023. Collection method: clinical testing. Allele origin: germline.

PreventionGenetics, part of Exact Sciences
Classification: Likely benign for CPA1-related condition. Last evaluated: 2019-05-23. Review status: no assertion criteria provided. Collection method: clinical testing. Allele origin: germline. Not counted in ClinVar's aggregate classification.
Comment: This variant is classified as likely benign based on ACMG/AMP sequence variant interpretation guidelines (Richards et al. 2015 PMID: 25741868, with internal and published modifications).

NM_001868.4(CPA1):c.621C>T (p.Thr207=)

Gene: CPA1 (carboxypeptidase A1; plus strand). Cytogenetic location: 7q32.2.
Variant type: single nucleotide variant.
Coding change: c.621C>T on transcript NM_001868.4 (MANE Select); coding-DNA position 621, C replaced by T.
Protein change: p.Thr207=; no amino-acid change (threonine 207 retained).
Molecular consequence: synonymous variant.
Genome position (GRCh38, 1-based): chr7:130,383,719, C>T. VCF-style: chr7-130383719-C-T. GRCh37 (hg19) VCF-style: chr7-130023560-C-T.
Identifiers: ClinVar variation 746418 (VCV000746418.18), dbSNP rs61735158, ClinGen allele CA4484875.